The following is an entry in ClinVar:

ClinVar aggregate classification (germline): Uncertain significance (1 of 4 stars; one submission).

gnomAD v4.1: 6 of 1,608,970 alleles (0.00037%); highest among the groups gnomAD compares: Non-Finnish European, 0.00051%; no homozygotes.

Submission:

Labcorp Genetics (formerly Invitae), Labcorp
Classification: Uncertain significance. Last evaluated: 2025-04-24. Review status: criteria provided, single submitter. Criteria: Invitae Variant Classification Sherloc (09022015). Collection method: clinical testing. Allele origin: germline.
Comment: This sequence change replaces glycine, which is neutral and non-polar, with valine, which is neutral and non-polar, at codon 47 of the CREB3L3 protein (p.Gly47Val). The frequency data for this variant in the population databases is considered unreliable, as metrics indicate poor data quality at this position in the gnomAD database. This variant has not been reported in the literature in individuals affected with CREB3L3-related conditions. Invitae Evidence Modeling of protein sequence and biophysical properties (such as structural, functional, and spatial information, amino acid conservation, physicochemical variation, residue mobility, and thermodynamic stability) indicates that this missense variant is not expected to disrupt CREB3L3 protein function with a negative predictive value of 80%. In summary, the available evidence is currently insufficient to determine the role of this variant in disease. Therefore, it has been classified as a Variant of Uncertain Significance.

NM_032607.3(CREB3L3):c.140G>T (p.Gly47Val)

Gene: CREB3L3 (cAMP responsive element binding protein 3 like 3; plus strand). Cytogenetic location: 19p13.3.
Variant type: single nucleotide variant.
Coding change: c.140G>T on transcript NM_032607.3 (MANE Select); coding-DNA position 140, G replaced by T.
Protein change: p.Gly47Val; replaces glycine 47 with valine.
Molecular consequence: missense variant.
Genome position (GRCh38, 1-based): chr19:4,155,011, G>T. VCF-style: chr19-4155011-G-T. GRCh37 (hg19) VCF-style: chr19-4155008-G-T.
Other names: c.140G>T, p.Gly47Val (NM_001271995.2, NM_001271996.2, NM_001271997.2); short protein forms G47V.
Identifiers: ClinVar variation 4766334 (VCV004766334.1).